The following is an entry in ClinVar:

ClinVar aggregate classification (germline): Uncertain significance (1 of 4 stars; one submission).

Submission:

GeneDx
Classification: Uncertain significance. Last evaluated: 2025-04-29. Review status: criteria provided, single submitter. Criteria: GeneDx Variant Classification Process June 2021. Collection method: clinical testing. Allele origin: germline. Affected: yes.
Comment: Not observed at significant frequency in large population cohorts (gnomAD); In silico analysis indicates that this missense variant does not alter protein structure/function; Has not been previously published as pathogenic or benign to our knowledge

NM_013436.5(NCKAP1):c.2752T>C (p.Ser918Pro)

Gene: NCKAP1 (NCK associated protein 1; minus strand). Cytogenetic location: 2q32.1.
Variant type: single nucleotide variant.
Coding change: c.2752T>C on transcript NM_013436.5 (MANE Select); coding-DNA position 2752, T replaced by C.
Protein change: p.Ser918Pro; replaces serine 918 with proline.
Molecular consequence: missense variant.
Genome position (GRCh38, 1-based): chr2:182,935,319, A>G on the plus strand (T>C on the coding strand, the complement: NCKAP1 is on the minus strand). VCF-style: chr2-182935319-A-G. GRCh37 (hg19) VCF-style: chr2-183800047-A-G.
Other names: c.2770T>C, p.Ser924Pro (NM_205842.3); c.2746T>C, p.Ser916Pro (NM_001437266.1); c.2764T>C, p.Ser922Pro (NM_001437267.1); short protein forms S916P, S918P, S922P, S924P.
Identifiers: ClinVar variation 4527017 (VCV004527017.1).
Genomic context (GRCh38, chr2:182,935,319, plus strand): 5'-GGATACCGAGTATATACTTGTAATGGTTTCTTACATCTCTAAGTGCTTCTTGTGCCAATG[A>G]TCGGAAGGATAAAATTACACCAATTATTGTCATCCTCTTCAAGACACTGTCAACAGCTAA-3'
Protein context (NP_038464.1, residues 908-928): TIIGVILSFR[Ser918Pro]LAQEALRDVL